The following is an entry in ClinVar:

NM_145046.5(CALR3):c.676C>G (p.Gln226Glu)

Gene: CALR3 (calreticulin 3; minus strand). Cytogenetic location: 19p13.11.
Variant type: single nucleotide variant.
Coding change: c.676C>G on transcript NM_145046.5 (MANE Select); coding-DNA position 676, C replaced by G.
Protein change: p.Gln226Glu; replaces glutamine 226 with glutamic acid.
Molecular consequence: missense variant.
Genome position (GRCh38, 1-based): chr19:16,483,932, G>C on the plus strand (C>G on the coding strand, the complement: CALR3 is on the minus strand). VCF-style: chr19-16483932-G-C. GRCh37 (hg19) VCF-style: chr19-16594743-G-C.
Other names: short protein forms Q226E.
Identifiers: ClinVar variation 2731788 (VCV002731788.3), dbSNP rs1466430342, ClinGen allele CA404609065.

ClinVar aggregate classification (germline): Uncertain significance (1 of 4 stars; one submission).

Conditions:
Hypertrophic cardiomyopathy 19. Also called: Familial hypertrophic cardiomyopathy 19. Identifiers: MedGen CN077603, MONDO:0013476.

Allele frequency attached by ClinVar (database versions not stated): TOPMed below 0.00001; gnomAD exomes 0.00001.
gnomAD v4.1: 7 of 1,613,814 alleles (0.00043%); highest among the groups gnomAD compares: Non-Finnish European, 0.00051%; no homozygotes.

Submission:

Labcorp Genetics (formerly Invitae), Labcorp
Classification: Uncertain significance for Hypertrophic cardiomyopathy 19. Last evaluated: 2026-01-07. Review status: criteria provided, single submitter. Criteria: Invitae Variant Classification Sherloc (09022015). Collection method: clinical testing. Allele origin: germline.
Comment: This sequence change replaces glutamine, which is neutral and polar, with glutamic acid, which is acidic and polar, at codon 226 of the CALR3 protein (p.Gln226Glu). This variant is not present in population databases (gnomAD no frequency). This variant has not been reported in the literature in individuals affected with CALR3-related conditions. ClinVar contains an entry for this variant (Variation ID: 2731788). An algorithm developed to predict the effect of missense changes on protein structure and function (PolyPhen-2) suggests that this variant is likely to be tolerated. In summary, the available evidence is currently insufficient to determine the role of this variant in disease. Therefore, it has been classified as a Variant of Uncertain Significance.